The following is an entry in ClinVar:

NM_004304.5(ALK):c.2040A>G (p.Thr680=)

Gene: ALK (ALK receptor tyrosine kinase; minus strand). Cytogenetic location: 2p23.2.
Variant type: single nucleotide variant.
Coding change: c.2040A>G on transcript NM_004304.5 (MANE Select); coding-DNA position 2040, A replaced by G.
Protein change: p.Thr680=; no amino-acid change (threonine 680 retained).
Molecular consequence: synonymous variant.
Genome position (GRCh38, 1-based): chr2:29,275,100, T>C on the plus strand (A>G on the coding strand, the complement: ALK is on the minus strand). VCF-style: chr2-29275100-T-C. GRCh37 (hg19) VCF-style: chr2-29497966-T-C.
Identifiers: ClinVar variation 655057 (VCV000655057.10), dbSNP rs748335936, ClinGen allele CA1594461.
Genomic context (GRCh38, chr2:29,275,100, plus strand): 5'-TTCTTCTGCCTTTTGCAACAAGAAGTTACTGTGCTCACATTTGTGAGCTGAACCCTTACC[T>C]GTAGGGTCAAAGATGGGGGTCTGTCTTGGTGAATTTTCCCCGGGTTTCAGCTCCTTGTTT-3'
Protein context (NP_004295.2, residues 670-690): SPRQTPIFDP[Thr680=]VHWLFTTCGA

ClinVar aggregate classification (germline): Conflicting classifications of pathogenicity. Review status: criteria provided, conflicting classifications (1 of 4 stars). 2 submissions from 2 submitters: Uncertain significance (1); Likely benign (1). Last evaluated 2025-02-09.

Conditions:
Neuroblastoma, susceptibility to, 3. Also called: ALK-Related Neuroblastic Tumor Susceptibility. Identifiers: Orphanet 635, MedGen C2751681, MONDO:0013083, OMIM 613014.
Hereditary cancer-predisposing syndrome. Also called: Neoplastic Syndromes, Hereditary; Hereditary neoplastic syndrome; Hereditary Cancer Syndrome; Tumor predisposition. Identifiers: Orphanet 140162, MedGen C0027672, MeSH D009386, MONDO:0015356.

Allele frequency attached by ClinVar (database versions not stated): gnomAD exomes below 0.00001 and 0.00001; gnomAD 0.00001; TOPMed 0.00001; ExAC 0.00002.
gnomAD v4.1: 5 of 1,613,958 alleles (0.00031%); highest among the groups gnomAD compares: Non-Finnish European, 0.00042%; no homozygotes.

Submissions (2):

Labcorp Genetics (formerly Invitae), Labcorp
Classification: Uncertain significance for Neuroblastoma, susceptibility to, 3. Last evaluated: 2025-02-09. Review status: criteria provided, single submitter. Criteria: Invitae Variant Classification Sherloc (09022015). Collection method: clinical testing. Allele origin: germline.
Comment: This sequence change affects codon 680 of the ALK mRNA. It is a 'silent' change, meaning that it does not change the encoded amino acid sequence of the ALK protein. It affects a nucleotide within the consensus splice site. This variant is present in population databases (rs748335936, gnomAD 0.002%). This variant has not been reported in the literature in individuals affected with ALK-related conditions. ClinVar contains an entry for this variant (Variation ID: 655057). Algorithms developed to predict the effect of sequence changes on RNA splicing suggest that this variant is not likely to affect RNA splicing. In summary, the available evidence is currently insufficient to determine the role of this variant in disease. Therefore, it has been classified as a Variant of Uncertain Significance.

Ambry Genetics
Classification: Likely benign for Hereditary cancer-predisposing syndrome. Last evaluated: 2022-11-18. Review status: criteria provided, single submitter. Criteria: Ambry Variant Classification Scheme 2023. Collection method: clinical testing. Allele origin: germline.